The following is an entry in ClinVar:

ClinVar aggregate classification (germline): Uncertain significance. Review status: criteria provided, multiple submitters, no conflicts (2 of 4 stars). 2 submissions from 2 submitters: Uncertain significance (2). Last evaluated 2024-09-25.

Conditions:
Hereditary cancer-predisposing syndrome. Also called: Neoplastic Syndromes, Hereditary; Hereditary Cancer Syndrome; Hereditary neoplastic syndrome; Tumor predisposition. Identifiers: Orphanet 140162, MedGen C0027672, MeSH D009386, MONDO:0015356.
Neurofibromatosis, type 2 (SWNV). Also called: BILATERAL ACOUSTIC NEUROFIBROMATOSIS; SCHWANNOMATOSIS, VESTIBULAR; NF2-Related Schwannomatosis. Identifiers: Orphanet 637, MedGen C0027832, MONDO:0007039, OMIM 101000. Disease mechanism: loss of function.

Submissions (2):

Labcorp Genetics (formerly Invitae), Labcorp
Classification: Uncertain significance for Neurofibromatosis, type 2. Last evaluated: 2024-09-25. Review status: criteria provided, single submitter. Criteria: Invitae Variant Classification Sherloc (09022015). Collection method: clinical testing. Allele origin: germline.
Comment: This sequence change replaces leucine, which is neutral and non-polar, with proline, which is neutral and non-polar, at codon 82 of the NF2 protein (p.Leu82Pro). This variant is not present in population databases (gnomAD no frequency). This variant has not been reported in the literature in individuals affected with NF2-related conditions. ClinVar contains an entry for this variant (Variation ID: 1017607). Invitae Evidence Modeling of protein sequence and biophysical properties (such as structural, functional, and spatial information, amino acid conservation, physicochemical variation, residue mobility, and thermodynamic stability) indicates that this missense variant is expected to disrupt NF2 protein function with a positive predictive value of 80%. In summary, the available evidence is currently insufficient to determine the role of this variant in disease. Therefore, it has been classified as a Variant of Uncertain Significance.

Ambry Genetics
Classification: Uncertain significance for Hereditary cancer-predisposing syndrome. Last evaluated: 2021-05-28. Review status: criteria provided, single submitter. Criteria: Ambry Variant Classification Scheme 2023. Collection method: clinical testing. Allele origin: germline.
Comment: The p.L82P variant (also known as c.245T>C), located in coding exon 3 of the NF2 gene, results from a T to C substitution at nucleotide position 245. The leucine at codon 82 is replaced by proline, an amino acid with similar properties. This amino acid position is highly conserved in available vertebrate species. In addition, this alteration is predicted to be deleterious by in silico analysis. Since supporting evidence is limited at this time, the clinical significance of this alteration remains unclear.

NM_000268.4(NF2):c.245T>C (p.Leu82Pro)

Gene: NF2 (NF2, moesin-ezrin-radixin like (MERLIN) tumor suppressor; plus strand). Cytogenetic location: 22q12.2.
Variant type: single nucleotide variant.
Coding change: c.245T>C on transcript NM_000268.4 (MANE Select); coding-DNA position 245, T replaced by C.
Protein change: p.Leu82Pro; replaces leucine 82 with proline.
Molecular consequence: missense variant. On other transcripts: non-coding transcript variant (1), intron variant (3).
Genome position (GRCh38, 1-based): chr22:29,639,094, T>C. VCF-style: chr22-29639094-T-C. GRCh37 (hg19) VCF-style: chr22-30035083-T-C.
Other names: c.245T>C, p.Leu82Pro (NM_016418.5, NM_181825.3, NM_181832.3 and 1 more transcripts); c.119T>C, p.Leu40Pro (NM_181828.3); c.240+2218T>C (NM_181829.3); c.115-3108T>C (NM_181830.3, NM_181831.3); short protein forms L40P, L82P.
Identifiers: ClinVar variation 1017607 (VCV001017607.11), dbSNP rs2065727847, ClinGen allele CA411152973.